The following is an entry in ClinVar:

NM_170707.4(LMNA):c.1890G>C (p.Gly630=)

Gene: LMNA (lamin A/C; plus strand). Cytogenetic location: 1q22.
Variant type: single nucleotide variant.
Coding change: c.1890G>C on transcript NM_170707.4 (MANE Select); coding-DNA position 1890, G replaced by C.
Protein change: p.Gly630=; no amino-acid change (glycine 630 retained).
Molecular consequence: synonymous variant. On other transcripts: intron variant (1).
Genome position (GRCh38, 1-based): chr1:156,138,679, G>C. VCF-style: chr1-156138679-G-C. GRCh37 (hg19) VCF-style: chr1-156108470-G-C.
Other names: c.1554G>C, p.Gly518= (NM_001257374.3); c.1800G>C, p.Gly600= (NM_170708.4); c.1818+72G>C (NM_001282626.2).
Identifiers: ClinVar variation 263454 (VCV000263454.8), dbSNP rs770389147, ClinGen allele CA10587421.
Genomic context (GRCh38, chr1:156,138,679, plus strand): 5'-CATCTCCTCTGGCTCTTCTGCCTCCAGTGTCACGGTCACTCGCAGCTACCGCAGTGTGGG[G>C]GGCAGTGGGGGTGGCAGCTTCGGGGACAATCTGGTCACCCGCTCCTACCTCCTGGGCAAC-3'
Protein context (NP_733821.1, residues 620-640): VTVTRSYRSV[Gly630=]GSGGGSFGDN

ClinVar aggregate classification (germline): Likely benign. Review status: criteria provided, multiple submitters, no conflicts (2 of 4 stars). 4 submissions from 4 submitters: Likely benign (4). Last evaluated 2025-07-30.

Conditions:
Cardiomyopathy (CMYO). Also called: Cardiomyopathies. Identifiers: Orphanet 167848, MedGen C0878544, MONDO:0004994, HP:0001638. Inheritance: Various modes of inheritance.
Cardiovascular phenotype. Identifiers: MedGen CN230736.
Primary dilated cardiomyopathy (DCM). Also called: Dilated Cardiomyopathy. Identifiers: Orphanet 217604, MedGen C0007193, MeSH D002311, MONDO:0005021, HP:0001644. Inheritance: Various modes of inheritance.
Charcot-Marie-Tooth disease type 2. Also called: Charcot-Marie-Tooth type 2. Identifiers: Orphanet 64746, MedGen C0270914, MONDO:0018993.

gnomAD v4.1: 7 of 1,613,718 alleles (0.00043%); highest among the groups gnomAD compares: Non-Finnish European, 0.00059%; no homozygotes.

Submissions (4):

Labcorp Genetics (formerly Invitae), Labcorp
Classification: Likely benign for Charcot-Marie-Tooth disease type 2. Last evaluated: 2025-07-30. Review status: criteria provided, single submitter. Criteria: Invitae Variant Classification Sherloc (09022015). Collection method: clinical testing. Allele origin: germline.

All of Us Research Program, National Institutes of Health
Classification: Likely benign for Primary dilated cardiomyopathy. Last evaluated: 2023-03-23. Review status: criteria provided, single submitter. Criteria: ACMG Guidelines, 2015. Collection method: clinical testing. Allele origin: germline. Inheritance: Autosomal dominant inheritance. Observed: 1 variant allele, 1 heterozygote.
Comment: This study involves interpretation of variants in research participants for the purpose of population health screening. Participant phenotype was not available at the time of variant classification. Additional details can be found in publication PMID: 35346344, PMCID: PMC8962531

Color Diagnostics, LLC DBA Color Health
Classification: Likely benign for Cardiomyopathy. Last evaluated: 2018-10-30. Review status: criteria provided, single submitter. Criteria: ACMG Guidelines, 2015. Collection method: clinical testing. Allele origin: germline.

Ambry Genetics
Classification: Likely benign for Cardiovascular phenotype. Last evaluated: 2012-11-14. Review status: criteria provided, single submitter. Criteria: Ambry Autosomal Dominant and X-Linked criteria (10/2015). Collection method: clinical testing. Allele origin: germline. Observed: 1 variant allele.